The following is an entry in ClinVar:

NM_203290.4(POLR1C):c.221A>G (p.Asn74Ser)

Gene: POLR1C (RNA polymerase I and III subunit C; plus strand). Cytogenetic location: 6p21.1.
Variant type: single nucleotide variant.
Coding change: c.221A>G on transcript NM_203290.4 (MANE Select); coding-DNA position 221, A replaced by G.
Protein change: p.Asn74Ser; replaces asparagine 74 with serine.
Molecular consequence: missense variant.
Genome position (GRCh38, 1-based): chr6:43,519,412, A>G. VCF-style: chr6-43519412-A-G. GRCh37 (hg19) VCF-style: chr6-43487150-A-G.
Other names: c.221A>G, p.Asn74Ser (NM_001318876.2, NM_001363658.2); short protein forms N74S.
Identifiers: ClinVar variation 204587 (VCV000204587.16), dbSNP rs371802902, ClinGen allele CA204036.
Genomic context (GRCh38, chr6:43,519,412, plus strand): 5'-TACACATGGATGAAAACTCACTGGAGTTTGACATGGTGGGAATTGACGCAGCCATTGCCA[A>G]TGCTTTTCGACGAATTCTGCTAGCTGAGGTATTGGCAGGCATGGTGACAAGGCTGGAGTT-3'
Protein context (NP_976035.1, residues 64-84): DMVGIDAAIA[Asn74Ser]AFRRILLAEV

ClinVar aggregate classification (germline): Conflicting classifications of pathogenicity. Review status: criteria provided, conflicting classifications (1 of 4 stars). 7 submissions from 7 submitters: Pathogenic (3); Uncertain significance (2). 2 of the submissions do not count toward it. Last evaluated 2025-09-17.

Conditions:
Leukodystrophy, hypomyelinating, 11. Identifiers: Orphanet 88637, MedGen C4225305, MONDO:0014666, OMIM 616494.

Allele frequency attached by ClinVar (database versions not stated): ESP Exome Variant Server 0.00008; gnomAD exomes 0.00001 and 0.00002; TOPMed 0.00001; ExAC 0.00002; gnomAD 0.00003.
gnomAD v4.1: 11 of 1,613,630 alleles (0.00068%); highest among the groups gnomAD compares: African/African-American, 0.008%; no homozygotes.

Submissions (7):

Women's Health and Genetics/Laboratory Corporation of America, LabCorp
Classification: Uncertain significance. Last evaluated: 2025-09-17. Review status: criteria provided, single submitter. Criteria: LabCorp Variant Classification Summary - May 2015. Collection method: clinical testing. Allele origin: germline.
Comment: Variant summary: POLR1C c.221A>G (p.Asn74Ser) results in a conservative amino acid change in the encoded protein sequence. Algorithms developed to predict the effect of missense changes on protein structure and function are either unavailable or do not agree on the potential impact of this missense change. The variant allele was found at a frequency of 1.6e-05 in 251474 control chromosomes. c.221A>G has been observed in individual(s) affected with POLR1C-Related Disorders (Gauquelin_2019, Thiffault_2015, Mirchi_2023). These data indicate that the variant may be associated with disease. At least one publication reports experimental evidence evaluating an impact on protein function (Hiraoka_2018), however, does not allow convincing conclusions about the variant effect. The following publications have been ascertained in the context of this evaluation (PMID: 32042905, 37197783, 26151409, 30505682). ClinVar contains an entry for this variant (Variation ID: 204587). Based on the evidence outlined above, the variant was classified as VUS-possibly pathogenic.

3billion
Classification: Pathogenic for Leukodystrophy, hypomyelinating, 11. Last evaluated: 2023-08-18. Review status: criteria provided, single submitter. Criteria: ACMG Guidelines, 2015. Collection method: clinical testing. Allele origin: germline. Affected: yes.
Comment: The variant is observed at an extremely low frequency in the gnomAD v2.1.1 dataset (total allele frequency: 0.002%). Predicted Consequence/Location: Missense variant Functional studies provide strong evidence of the variant having a damaging effect on the gene or gene product (PMID: 26151409). In silico tool predictions suggest damaging effect of the variant on gene or gene product [REVEL: 0.92 (>=0.6, sensitivity 0.68 and specificity 0.92); 3Cnet: 0.96 (>=0.6, sensitivity 0.72 and precision 0.9)]. Same nucleotide change resulting in same amino acid change has been previously reported as pathogenic/likely pathogenic with strong evidence (ClinVar ID: VCV000204587 /PMID: 26151409). The variant has been reported to be in trans with a pathogenic variant as either compound heterozygous or homozygous in at least one similarly affected unrelated individual (PMID: 26151409). Therefore, this variant is classified as Pathogenic according to the recommendation of ACMG/AMP guideline.

Labcorp Genetics (formerly Invitae), Labcorp
Classification: Uncertain significance. Last evaluated: 2022-09-12. Review status: criteria provided, single submitter. Criteria: Invitae Variant Classification Sherloc (09022015). Collection method: clinical testing. Allele origin: germline.
Comment: This sequence change replaces asparagine, which is neutral and polar, with serine, which is neutral and polar, at codon 74 of the POLR1C protein (p.Asn74Ser). In summary, the available evidence is currently insufficient to determine the role of this variant in disease. Therefore, it has been classified as a Variant of Uncertain Significance. Experimental studies have shown that this missense change affects POLR1C function (PMID: 30505682). Advanced modeling of protein sequence and biophysical properties (such as structural, functional, and spatial information, amino acid conservation, physicochemical variation, residue mobility, and thermodynamic stability) performed at Invitae indicates that this missense variant is expected to disrupt POLR1C protein function. ClinVar contains an entry for this variant (Variation ID: 204587). This missense change has been observed in individual(s) with POLR1C-related conditions (PMID: 26151409, 33804237). This variant is present in population databases (rs371802902, gnomAD 0.02%).

Kasturba Medical College, Manipal, Kasturba Medical College, Manipal, Manipal Academy of Higher Education, Manipal, India
Classification: Pathogenic for Leukodystrophy, hypomyelinating, 11. Review status: criteria provided, single submitter. Criteria: ACMG Guidelines, 2015. Collection method: clinical testing. Allele origin: inherited. Inheritance: Autosomal recessive inheritance. Affected: yes.

MyeliNeuroGene Lab, McGill University Health Center Research Institute
Classification: Pathogenic for Leukodystrophy, hypomyelinating, 11. Review status: criteria provided, single submitter. Criteria: ACMG Guidelines, 2015. Collection method: research. Allele origin: inherited. Inheritance: Autosomal recessive inheritance. Affected: no.

OMIM
Classification: Pathogenic for LEUKODYSTROPHY, HYPOMYELINATING, 11. Last evaluated: 2015-07-07. Review status: no assertion criteria provided. Collection method: literature only. Allele origin: germline. Not counted in ClinVar's aggregate classification.

GeneReviews
No classification provided. Condition: Leukodystrophy, hypomyelinating, 11. Review status: no classification provided. Collection method: literature only. Allele origin: germline. Not counted in ClinVar's aggregate classification.

Literature cited by the submitters: PubMed 32042905 (cited by Women's Health and Genetics/Laboratory Corporation of America, LabCorp); PubMed 26151409 (cited by 5 submitters); PubMed 37197783 (cited by Women's Health and Genetics/Laboratory Corporation of America, LabCorp); PubMed 30505682 (cited by Women's Health and Genetics/Laboratory Corporation of America, LabCorp and Labcorp Genetics (formerly Invitae), Labcorp); PubMed 33804237 (cited by Labcorp Genetics (formerly Invitae), Labcorp); PubMed 610060 (cited by MyeliNeuroGene Lab, McGill University Health Center Research Institute); PubMed 22855961 (cited by GeneReviews).